The following is an entry in ClinVar:

NM_000132.4(F8):c.5308G>A (p.Glu1770Lys)

Gene: F8 (coagulation factor VIII; minus strand). Cytogenetic location: Xq28.
Variant type: single nucleotide variant.
Coding change: c.5308G>A on transcript NM_000132.4 (MANE Select); coding-DNA position 5308, G replaced by A.
Protein change: p.Glu1770Lys; replaces glutamic acid 1770 with lysine.
Molecular consequence: missense variant.
Genome position (GRCh38, 1-based): chrX:154,906,485, C>T on the plus strand (G>A on the coding strand, the complement: F8 is on the minus strand). VCF-style: chrX-154906485-C-T. GRCh37 (hg19) VCF-style: chrX-154134760-C-T.
Other names: short protein forms E1770K.
Identifiers: ClinVar variation 1330439 (VCV001330439.7), dbSNP rs2124000594, ClinGen allele CA414910819.

ClinVar aggregate classification (germline): Likely pathogenic (1 of 4 stars; one submission).

Conditions:
Hereditary factor VIII deficiency disease (HEMA). Also called: HEMOPHILIA, CLASSIC; AUTOSOMAL HEMOPHILIA A; Hemophilia A; Hemophilia A, congenital; HEM A; Factor 8 deficiency, congenital. Identifiers: Orphanet 98878, MedGen C0019069, MONDO:0010602, OMIM 306700.

Submission:

ARUP Laboratories, Molecular Genetics and Genomics, ARUP Laboratories
Classification: Likely pathogenic for Hereditary factor VIII deficiency disease. Last evaluated: 2020-12-09. Review status: criteria provided, single submitter. Criteria: ARUP Molecular Germline Variant Investigation Process 2021. Collection method: clinical testing. Allele origin: germline.
Comment: The F8 c.5308G>A; p.Glu1770Lys variant, also known as p.Glu1751Lys, is reported in the literature in a single individual affected with severe hemophilia A (Jayandharan 2005). In vitro functional analyses demonstrate that this individual had factor VIII activity of <1% (Jayandharan 2005). This variant is absent from general population databases (Exome Variant Server, Genome Aggregation Database), indicating it is not a common polymorphism. The glutamic acid at codon 1770 is moderately conserved, and computational analyses predict that this variant is deleterious (REVEL: 0.891). Based on available information, this variant is considered to be likely pathogenic. References: Jayandharan G et al. Identification of factor VIII gene mutations in 101 patients with haemophilia A: mutation analysis by inversion screening and multiplex PCR and CSGE and molecular modelling of 10 novel missense substitutions. Haemophilia. 2005 Sep;11(5):481-91.